The following is an entry in ClinVar:

NM_000152.5(GAA):c.69C>T (p.Thr23=)

Gene: GAA (alpha glucosidase; plus strand). Cytogenetic location: 17q25.3.
Variant type: single nucleotide variant.
Coding change: c.69C>T on transcript NM_000152.5 (MANE Select); coding-DNA position 69, C replaced by T.
Protein change: p.Thr23=; no amino-acid change (threonine 23 retained).
Molecular consequence: synonymous variant.
Genome position (GRCh38, 1-based): chr17:80,104,655, C>T. VCF-style: chr17-80104655-C-T. GRCh37 (hg19) VCF-style: chr17-78078454-C-T.
Other names: c.69C>T (LRG_673t1, NM_000152.4); c.69C>T, p.Thr23= (NM_001079803.3, NM_001079804.3).
Identifiers: ClinVar variation 456431 (VCV000456431.15), dbSNP rs746351336, ClinGen allele CA8814779.

ClinVar aggregate classification (germline): Likely benign. Review status: criteria provided, multiple submitters, no conflicts (2 of 4 stars). 3 submissions from 3 submitters: Likely benign (2). 1 of the submissions does not count toward it. Last evaluated 2026-01-19.

Conditions:
GAA-related disorder. Also called: GAA-related condition.
Cardiovascular phenotype. Identifiers: MedGen CN230736.
Glycogen storage disease, type II (IOPD). Also called: Glucosidase acid-1,4-alpha deficiency; Pompe Disease; POMPE DISEASE, INFANTILE-ONSET; GLYCOGEN STORAGE DISEASE II, INFANTILE-ONSET; ACID ALPHA-GLUCOSIDASE DEFICIENCY, INFANTILE-ONSET; GAA DEFICIENCY, INFANTILE-ONSET. Identifiers: Orphanet 365, MedGen C0017921, MONDO:0009290, OMIM 232300.

Allele frequency attached by ClinVar (database versions not stated): TOPMed 0.00002; gnomAD 0.00003.
gnomAD v4.1: 32 of 1,613,314 alleles (0.002%); highest among the groups gnomAD compares: Middle Eastern, 0.016%; no homozygotes.

Submissions (3):

Labcorp Genetics (formerly Invitae), Labcorp
Classification: Likely benign for Glycogen storage disease, type II. Last evaluated: 2026-01-19. Review status: criteria provided, single submitter. Criteria: Invitae Variant Classification Sherloc (09022015). Collection method: clinical testing. Allele origin: germline.

Ambry Genetics
Classification: Likely benign for Cardiovascular phenotype. Last evaluated: 2025-07-12. Review status: criteria provided, single submitter. Criteria: Ambry Variant Classification Scheme 2023. Collection method: clinical testing. Allele origin: germline.

PreventionGenetics, part of Exact Sciences
Classification: Likely benign for GAA-related condition. Last evaluated: 2022-05-26. Review status: no assertion criteria provided. Collection method: clinical testing. Allele origin: germline. Not counted in ClinVar's aggregate classification.
Comment: This variant is classified as likely benign based on ACMG/AMP sequence variant interpretation guidelines (Richards et al. 2015 PMID: 25741868, with internal and published modifications).